The following is an entry in ClinVar:

ClinVar aggregate classification (germline): Likely benign (1 of 4 stars; one submission).

Conditions:
DNAJB2-related disorder. Also called: DNAJB2-related condition.

gnomAD v4.1: 21 of 1,602,538 alleles (0.0013%); highest among the groups gnomAD compares: Non-Finnish European, 0.0017%; no homozygotes.

Submission:

PreventionGenetics, part of Exact Sciences
Classification: Likely benign for DNAJB2-related condition. Last evaluated: 2024-12-04. Review status: criteria provided, single submitter. Criteria: ACMG Guidelines, 2015. Collection method: clinical testing. Allele origin: germline.
Comment: This variant is classified as likely benign based on ACMG/AMP sequence variant interpretation guidelines (Richards et al. 2015 PMID: 25741868, with internal and published modifications).

NM_006736.6(DNAJB2):c.888G>A (p.Leu296=)

Gene: DNAJB2 (DnaJ heat shock protein family (Hsp40) member B2; plus strand). Cytogenetic location: 2q35.
Variant type: single nucleotide variant.
Coding change: c.888G>A on transcript NM_006736.6 (MANE Select); coding-DNA position 888, G replaced by A.
Protein change: p.Leu296=; no amino-acid change (leucine 296 retained).
Molecular consequence: synonymous variant. On other transcripts: intron variant (1).
Genome position (GRCh38, 1-based): chr2:219,284,900, G>A. VCF-style: chr2-219284900-G-A. GRCh37 (hg19) VCF-style: chr2-220149622-G-A.
Other names: c.823+65G>A (NM_001039550.2).
Identifiers: ClinVar variation 4988360 (VCV004988360.1).